The following is an entry in ClinVar:

NM_001394062.1(MACF1):c.2912A>G (p.Glu971Gly)

Gene: MACF1 (microtubule actin crosslinking factor 1; plus strand). Cytogenetic location: 1p34.3.
Variant type: single nucleotide variant.
Coding change: c.2912A>G on transcript NM_001394062.1 (MANE Select); coding-DNA position 2912, A replaced by G.
Protein change: p.Glu971Gly; replaces glutamic acid 971 with glycine.
Molecular consequence: missense variant.
Genome position (GRCh38, 1-based): chr1:39,309,692, A>G. VCF-style: chr1-39309692-A-G. GRCh37 (hg19) VCF-style: chr1-39775364-A-G.
Other names: c.2927A>G, p.Glu976Gly (NM_012090.5); short protein forms E971G, E976G.
Identifiers: ClinVar variation 4687526 (VCV004687526.1).

ClinVar aggregate classification (germline): Uncertain significance (1 of 4 stars; one submission).

gnomAD v4.1: 3 of 1,609,472 alleles (0.00019%); highest among the groups gnomAD compares: African/African-American, 0.0013%; no homozygotes.

Submission:

Women's Health and Genetics/Laboratory Corporation of America, LabCorp
Classification: Uncertain significance. Last evaluated: 2025-10-07. Review status: criteria provided, single submitter. Criteria: LabCorp Variant Classification Summary - May 2015. Collection method: clinical testing. Allele origin: germline.
Comment: Variant summary: MACF1 c.2927A>G (p.Glu976Gly) results in a non-conservative amino acid change in the encoded protein sequence. Algorithms developed to predict the effect of missense changes on protein structure and function are either unavailable or do not agree on the potential impact of this missense change. The variant allele was found at a frequency of 4.1e-06 in 245012 control chromosomes. The available data on variant occurrences in the general population are insufficient to allow any conclusion about variant significance. To our knowledge, no occurrence of c.2927A>G in individuals affected with MACF1-related conditions and no experimental evidence demonstrating its impact on protein function have been reported. No submitters have cited clinical-significance assessments for this variant to ClinVar. Based on the evidence outlined above, the variant was classified as uncertain significance.